The following is an entry in ClinVar:

ClinVar aggregate classification (germline): Uncertain significance. Review status: criteria provided, single submitter (1 of 4 stars). 2 submissions from 2 submitters: Uncertain significance (1). 1 of the submissions does not count toward it. Last evaluated 2024-05-14.

Conditions:
Familial exudative vitreoretinopathy. Identifiers: Orphanet 891, MedGen C0339539, MeSH D000080345, MONDO:0019516.

Allele frequency attached by ClinVar (database versions not stated): gnomAD exomes 0.00001.
gnomAD v4.1: 10 of 1,608,792 alleles (0.00062%); highest among the groups gnomAD compares: Middle Eastern, 0.033%; no homozygotes.

Submissions (2):

GeneDx
Classification: Uncertain significance. Last evaluated: 2024-05-14. Review status: criteria provided, single submitter. Criteria: GeneDx Variant Classification Process June 2021. Collection method: clinical testing. Allele origin: germline. Affected: yes.
Comment: Identified in an individual with familial exudative vitreoretinopathy in the published literature; however segregation data and further clinical information was not provided (PMID: 31456290); In silico analysis supports that this missense variant has a deleterious effect on protein structure/function; Not observed at significant frequency in large population cohorts (gnomAD); This variant is associated with the following publications: (PMID: 31456290)

Sharon lab, Hadassah-Hebrew University Medical Center
Classification: Likely pathogenic for Familial exudative vitreoretinopathy. Last evaluated: 2019-06-23. Review status: no assertion criteria provided. Collection method: research. Allele origin: inherited. Affected: yes. Not counted in ClinVar's aggregate classification.

NM_024741.3(ZNF408):c.1174T>C (p.Ser392Pro)

Gene: ZNF408 (zinc finger protein 408; plus strand). Cytogenetic location: 11p11.2.
Variant type: single nucleotide variant.
Coding change: c.1174T>C on transcript NM_024741.3 (MANE Select); coding-DNA position 1174, T replaced by C.
Protein change: p.Ser392Pro; replaces serine 392 with proline.
Molecular consequence: missense variant.
Genome position (GRCh38, 1-based): chr11:46,704,874, T>C. VCF-style: chr11-46704874-T-C. GRCh37 (hg19) VCF-style: chr11-46726424-T-C.
Other names: c.1150T>C, p.Ser384Pro (NM_001184751.2); short protein forms S384P, S392P.
Identifiers: ClinVar variation 812465 (VCV000812465.2), dbSNP rs966073464, ClinGen allele CA221633334.